The following is an entry in ClinVar:

NM_024753.5(TTC21B):c.3477G>A (p.Ala1159=)

Gene: TTC21B (tetratricopeptide repeat domain 21B; minus strand). Cytogenetic location: 2q24.3.
Variant type: single nucleotide variant.
Coding change: c.3477G>A on transcript NM_024753.5 (MANE Select); coding-DNA position 3477, G replaced by A.
Protein change: p.Ala1159=; no amino-acid change (alanine 1159 retained).
Molecular consequence: synonymous variant.
Genome position (GRCh38, 1-based): chr2:165,884,001, C>T on the plus strand (G>A on the coding strand, the complement: TTC21B is on the minus strand). VCF-style: chr2-165884001-C-T. GRCh37 (hg19) VCF-style: chr2-166740511-C-T.
Other names: c.3477G>A (NM_024753.4).
Identifiers: ClinVar variation 1592660 (VCV001592660.10), dbSNP rs545954417, ClinGen allele CA1941487.
Genomic context (GRCh38, chr2:165,884,001, plus strand): 5'-CTGGTTTCTGGCTCGTGGAGTCTGTTTCAAGATCATATAAGCCGTTGCCATTCCCAAGAG[C>T]GCTGGGATATGCTCCTTCTATAAGAAAACAAAATTTTAGACCATAAGATGCATAAACATA-3'
Protein context (NP_079029.3, residues 1149-1169): IAASEKEHIP[Ala1159=]LLGMATAYMI

ClinVar aggregate classification (germline): Likely benign. Review status: criteria provided, multiple submitters, no conflicts (2 of 4 stars). 3 submissions from 3 submitters: Likely benign (2). 1 of the submissions does not count toward it. Last evaluated 2022-10-17.

Conditions:
TTC21B-related disorder. Also called: TTC21B-related disorders; TTC21B-related condition.
Jeune thoracic dystrophy. Also called: Jeune syndrome; Short-rib thoracic dysplasia; Infantile thoracic dystrophy; Thoracic pelvic phalangeal dystrophy; Jeune's syndrome; Chondroectodermal dysplasia-like syndrome. Identifiers: Orphanet 474, MedGen C0265275, MONDO:0018770.
Nephronophthisis. Also called: Juvenile Nephronophthisis. Identifiers: Orphanet 655, MedGen C0687120, MONDO:0019005, HP:0000090.

Allele frequency attached by ClinVar (database versions not stated): TOPMed 0.00002; gnomAD 0.00004; ExAC 0.00007; 1000 Genomes Project 0.00020; 1000 Genomes Project 30x 0.00031.
gnomAD v4.1: 63 of 1,613,968 alleles (0.0039%); highest among the groups gnomAD compares: Admixed American, 0.005%; 1 homozygote.

Submissions (3):

Labcorp Genetics (formerly Invitae), Labcorp
Classification: Likely benign for Jeune thoracic dystrophy; Nephronophthisis. Last evaluated: 2022-10-17. Review status: criteria provided, single submitter. Criteria: Invitae Variant Classification Sherloc (09022015). Collection method: clinical testing. Allele origin: germline.

Blueprint Genetics
Classification: Likely benign. Last evaluated: 2022-07-07. Review status: criteria provided, single submitter. Criteria: ACMG Guidelines, 2015. Collection method: clinical testing. Allele origin: germline.

PreventionGenetics, part of Exact Sciences
Classification: Likely benign for TTC21B-related condition. Last evaluated: 2024-08-05. Review status: no assertion criteria provided. Collection method: clinical testing. Allele origin: germline. Not counted in ClinVar's aggregate classification.
Comment: This variant is classified as likely benign based on ACMG/AMP sequence variant interpretation guidelines (Richards et al. 2015 PMID: 25741868, with internal and published modifications).